The following is an entry in ClinVar:

ClinVar aggregate classification (germline): Uncertain significance. Review status: criteria provided, multiple submitters, no conflicts (2 of 4 stars). 2 submissions from 2 submitters: Uncertain significance (2). Last evaluated 2025-07-03.

Conditions:
Inborn genetic diseases. Identifiers: MedGen C0950123, MeSH D030342.

Allele frequency attached by ClinVar (database versions not stated): gnomAD 0.00003; TOPMed 0.00003; gnomAD exomes 0.00004; ExAC 0.00005.
gnomAD v4.1: 61 of 1,614,024 alleles (0.0038%); highest among the groups gnomAD compares: Non-Finnish European, 0.0047%; no homozygotes.

Submissions (2):

Ambry Genetics
Classification: Uncertain significance for Inborn genetic diseases. Last evaluated: 2025-07-03. Review status: criteria provided, single submitter. Criteria: Ambry Variant Classification Scheme 2023. Collection method: clinical testing. Allele origin: germline.

Labcorp Genetics (formerly Invitae), Labcorp
Classification: Uncertain significance. Last evaluated: 2022-07-07. Review status: criteria provided, single submitter. Criteria: Invitae Variant Classification Sherloc (09022015). Collection method: clinical testing. Allele origin: germline.
Comment: This sequence change replaces arginine, which is basic and polar, with tryptophan, which is neutral and slightly polar, at codon 107 of the HPS4 protein (p.Arg107Trp). This variant is present in population databases (rs778229695, gnomAD 0.008%). This variant has not been reported in the literature in individuals affected with HPS4-related conditions. Algorithms developed to predict the effect of missense changes on protein structure and function are either unavailable or do not agree on the potential impact of this missense change (SIFT: "Deleterious"; PolyPhen-2: "Probably Damaging"; Align-GVGD: "Class C15"). In summary, the available evidence is currently insufficient to determine the role of this variant in disease. Therefore, it has been classified as a Variant of Uncertain Significance.

NM_022081.6(HPS4):c.319C>T (p.Arg107Trp)

Gene: HPS4 (HPS4 biogenesis of lysosomal organelles complex 3 subunit 2; minus strand). Cytogenetic location: 22q12.1.
Variant type: single nucleotide variant.
Coding change: c.319C>T on transcript NM_022081.6 (MANE Select); coding-DNA position 319, C replaced by T.
Protein change: p.Arg107Trp; replaces arginine 107 with tryptophan.
Molecular consequence: missense variant. On other transcripts: non-coding transcript variant (8).
Genome position (GRCh38, 1-based): chr22:26,472,897, G>A on the plus strand (C>T on the coding strand, the complement: HPS4 is on the minus strand). VCF-style: chr22-26472897-G-A. GRCh37 (hg19) VCF-style: chr22-26868863-G-A.
Other names: c.319C>T (NM_022081.4); c.319C>T, p.Arg107Trp (NM_001349896.1, NM_001349898.2, NM_001349899.2 and 7 more transcripts); c.304C>T, p.Arg102Trp (NM_152841.2); short protein forms R107W, R102W.
Identifiers: ClinVar variation 2178459 (VCV002178459.2), dbSNP rs778229695, ClinGen allele CA10163748.
Genomic context (GRCh38, chr22:26,472,897, plus strand): 5'-AAGCTAGGGAAACAGGTCCATTGTAAAAATTAAAGAATCCAACTAGCTGATCCAGAAACC[G>A]CTTGCAGCTGACATCAGGGAGCTCCACAGCACAGCCCAGCACCTGTAAAGAGAGAAACCA-3'
Protein context (NP_071364.4, residues 97-117): AVELPDVSCK[Arg107Trp]FLDQLVGFFN